The following is an entry in ClinVar:

NM_015450.3(POT1):c.170T>C (p.Leu57Pro)

Gene: POT1 (protection of telomeres 1; minus strand). Cytogenetic location: 7q31.33.
Variant type: single nucleotide variant.
Coding change: c.170T>C on transcript NM_015450.3 (MANE Select); coding-DNA position 170, T replaced by C.
Protein change: p.Leu57Pro; replaces leucine 57 with proline.
Molecular consequence: missense variant. On other transcripts: non-coding transcript variant (3), intron variant (1).
Genome position (GRCh38, 1-based): chr7:124,870,996, A>G on the plus strand (T>C on the coding strand, the complement: POT1 is on the minus strand). VCF-style: chr7-124870996-A-G. GRCh37 (hg19) VCF-style: chr7-124511050-A-G.
Other names: c.-138-7356T>C (NM_001042594.2); short protein forms L57P.
Identifiers: ClinVar variation 647841 (VCV000647841.9), dbSNP rs1584777819, ClinGen allele CA369061580.
Genomic context (GRCh38, chr7:124,870,996, plus strand): 5'-TCTCCATTTTTATAAATTATTGGAAGGGCTTCATAGTTTCCACTAAAGAGCAGGCAAGTT[A>G]GTTTTACATTTGTCTGGTCCACAATAGTTACAACTGAGCAATAATCTGGAAAACACAAAA-3'
Protein context (NP_056265.2, residues 47-67): VTIVDQTNVK[Leu57Pro]TCLLFSGNYE

ClinVar aggregate classification (germline): Uncertain significance (1 of 4 stars; one submission).

Conditions:
Tumor predisposition syndrome 3 (TPDS3). Also called: Melanoma, cutaneous malignant, susceptibility to, 10; Glioma susceptibility 9; LONG TELOMERE SYNDROME, POT1-RELATED; POT1 Tumor Predisposition. Identifiers: Orphanet 618, MedGen C4014476, MONDO:0014368, OMIM 615848.

Submission:

Labcorp Genetics (formerly Invitae), Labcorp
Classification: Uncertain significance for Tumor predisposition syndrome 3. Last evaluated: 2018-12-01. Review status: criteria provided, single submitter. Criteria: Invitae Variant Classification Sherloc (09022015). Collection method: clinical testing. Allele origin: germline.
Comment: In summary, the available evidence is currently insufficient to determine the role of this variant in disease. Therefore, it has been classified as a Variant of Uncertain Significance. Algorithms developed to predict the effect of missense changes on protein structure and function are either unavailable or do not agree on the potential impact of this missense change (SIFT: "Deleterious"; PolyPhen-2: "Probably Damaging"; Align-GVGD: "Class C0"). This variant has not been reported in the literature in individuals with POT1-related conditions. This variant is not present in population databases (ExAC no frequency). This sequence change replaces leucine with proline at codon 57 of the POT1 protein (p.Leu57Pro). The leucine residue is highly conserved and there is a moderate physicochemical difference between leucine and proline.